The following is an entry in ClinVar:

ClinVar aggregate classification (germline): Conflicting classifications of pathogenicity. Review status: criteria provided, conflicting classifications (1 of 4 stars). 6 submissions from 6 submitters: Pathogenic (1); Likely pathogenic (3); Uncertain significance (1). 1 of the submissions does not count toward it. Last evaluated 2025-10-15.

Conditions:
Hereditary cancer-predisposing syndrome. Also called: Tumor predisposition; Hereditary neoplastic syndrome; Hereditary Cancer Syndrome; Neoplastic Syndromes, Hereditary. Identifiers: Orphanet 140162, MedGen C0027672, MeSH D009386, MONDO:0015356.
Hereditary breast ovarian cancer syndrome. Also called: Hereditary breast and/or ovarian cancer syndrome; Breast and ovarian cancer; Hereditary breast and ovarian cancer syndrome; Hereditary breast and ovarian cancer; Hereditary breast and ovarian cancer syndrome (HBOC); BRCA1- and BRCA2-Associated Hereditary Breast and Ovarian Cancer. Identifiers: Orphanet 145, MedGen C0677776, MeSH D061325, MONDO:0003582. Disease mechanism: loss of function.
Breast-ovarian cancer, familial, susceptibility to, 1 (BROVCA1). Also called: BRCA1 Hereditary Breast and Ovarian Cancer; OVARIAN CANCER, SUSCEPTIBILITY TO. Identifiers: Orphanet 145, MedGen C2676676, MONDO:0011450, OMIM 604370. Disease mechanism: loss of function.

Submissions (6):

Labcorp Genetics (formerly Invitae), Labcorp
Classification: Likely pathogenic for Hereditary breast ovarian cancer syndrome. Last evaluated: 2025-10-15. Review status: criteria provided, single submitter. Criteria: Invitae Variant Classification Sherloc (09022015). Collection method: clinical testing. Allele origin: germline.
Comment: This sequence change falls in intron 18 of the BRCA1 gene. It does not directly change the encoded amino acid sequence of the BRCA1 protein. RNA analysis indicates that this variant induces altered splicing and may result in an absent or altered protein product. This variant is not present in population databases (gnomAD no frequency). This variant has been observed in individual(s) with breast and/or ovarian cancer (PMID: 10923033). ClinVar contains an entry for this variant (Variation ID: 125798). Variants that disrupt the consensus splice site are a relatively common cause of aberrant splicing (PMID: 17576681, 9536098). Studies have shown that this variant results in skipping of exon 18, and produces a non-functional protein and/or introduces a premature termination codon (internal data). In summary, the currently available evidence indicates that the variant is pathogenic, but additional data are needed to prove that conclusively. Therefore, this variant has been classified as Likely Pathogenic.

Myriad Genetics, Inc.
Classification: Pathogenic for Breast-ovarian cancer, familial, susceptibility to, 1. Last evaluated: 2025-03-18. Review status: criteria provided, single submitter. Criteria: Myriad Autosomal Dominant, Autosomal Recessive and X-Linked Classification Criteria (2023). Collection method: clinical testing. Allele origin: unknown.
Comment: This variant is considered pathogenic. This variant occurs within a consensus splice junction and is predicted to result in abnormal mRNA splicing of either an out-of-frame exon or an in-frame exon necessary for protein stability and/or normal function. This variant is strongly associated with more severe personal and family histories of cancer, typical for individuals with pathogenic variants in this gene [PMID: 25085752].

Ambry Genetics
Classification: Likely pathogenic for Hereditary cancer-predisposing syndrome. Last evaluated: 2025-03-09. Review status: criteria provided, single submitter. Criteria: Ambry Variant Classification Scheme 2023. Collection method: clinical testing. Allele origin: germline.
Comment: The c.5193+3_5193+15del13 intronic variant, located in intron 17 of the BRCA1 gene, results from a deletion of 13 nucleotides within intron 17 of the BRCA1 gene. The deleted region is well conserved in available vertebrate species. In silico splice site analysis predicts that this alteration will weaken the native splice donor site. RNA studies have demonstrated that this alteration results in abnormal splicing in the set of samples tested (Ambry internal data). Another alteration impacting the same donor site (c.5193+1G>A) has been shown to have a similar impact on splicing (Ambry internal data). This variant is considered to be rare based on population cohorts in the Genome Aggregation Database (gnomAD). Based on the majority of available evidence to date, this variant is likely to be pathogenic.

GeneDx
Classification: Likely pathogenic. Last evaluated: 2024-10-16. Review status: criteria provided, single submitter. Criteria: GeneDx Variant Classification Process June 2021. Collection method: clinical testing. Allele origin: germline. Affected: yes.
Comment: RNA studies demonstrate aberrant splicing (External communication with Ambry Genetics); Not observed at significant frequency in large population cohorts (gnomAD); In silico analysis supports a deleterious effect on splicing; Identified in individuals referred for multi-gene panel testing with personal or family history of cancer (PMID: 31853058); Also known as 5312+3_5312+15del13; This variant is associated with the following publications: (PMID: 31853058)

Women's Health and Genetics/Laboratory Corporation of America, LabCorp
Classification: Uncertain significance. Last evaluated: 2018-12-03. Review status: criteria provided, single submitter. Criteria: LabCorp Variant Classification Summary - May 2015. Collection method: clinical testing. Allele origin: germline.
Comment: Variant summary: BRCA1 c.5193+3_5193+15del13 alters a nucleotide located close to a canonical splice site and therefore could affect mRNA splicing, leading to a significantly altered protein sequence. Several computational tools predict a significant impact on normal splicing: Four predict the variant abolishes a 5' splicing donor site. One predict the variant weakens a 5' donor site. However, these predictions have yet to be confirmed by functional studies. The variant was absent in 245844 control chromosomes (gnomAD). The available data on variant occurrences in the general population are insufficient to allow any conclusion about variant significance. To our knowledge, no occurrence of c.5193+3_5193+15del13 in individuals affected with Hereditary Breast and Ovarian Cancer and no experimental evidence demonstrating its impact on protein function have been reported. Two ClinVar submissions from clinical diagnostic laboratories (evaluation after 2014) cite the variant as uncertain significance. Based on the evidence outlined above, the variant was classified as uncertain significance.

Breast Cancer Information Core (BIC) (BRCA1)
Classification: Pathogenic for Breast-ovarian cancer, familial 1. Last evaluated: 2003-12-23. Review status: no assertion criteria provided. Collection method: clinical testing. Allele origin: germline. Affected: yes. Observed: 1 variant allele. Not counted in ClinVar's aggregate classification.

Literature cited by the submitters: PubMed 10923033 (cited by Labcorp Genetics (formerly Invitae), Labcorp); PubMed 17576681 (cited by Labcorp Genetics (formerly Invitae), Labcorp); PubMed 9536098 (cited by Labcorp Genetics (formerly Invitae), Labcorp); PubMed 25085752 (cited by Myriad Genetics, Inc.).

NM_007294.3(BRCA1):c.5193+3_5193+15del

Gene: BRCA1 (BRCA1 DNA repair associated; minus strand). Cytogenetic location: 17q21.31.
Variant type: Deletion.
Coding change: c.5193+3_5193+15del on transcript NM_007294.3; bases 3 to 15 of the intron after coding-DNA position 5193, 13 bases deleted (AAGTACTTGATGT).
Molecular consequence: splice donor variant (on NM_007294.4).
Genome position (GRCh38, 1-based): chr17:43,063,318-43,063,330, ACATCAAGTACTT deleted on the plus strand (AAGTACTTGATGT on the coding strand, the reverse complement: BRCA1 is on the minus strand); deleting any 13 consecutive bases within chr17:43,063,318-43,063,332 gives the same sequence; the c. name uses the placement nearest the transcript's 3' end. VCF-style (leftmost placement, unchanged base first): chr17-43063317-AACATCAAGTACTT-A. GRCh37 (hg19) VCF-style: chr17-41215334-AACATCAAGTACTT-A.
Other names: IVS19+3del13; c.5193+3_5193+15delAAGTACTTGATGT (NM_007294.3); c.5187+3_5187+15del (NM_001407639.1, NM_001407630.1, NM_001407633.1 and 14 more transcripts); c.5190+3_5190+15del (NM_001407859.1, NM_001407620.1, NM_001407623.1 and 17 more transcripts); c.5193+3_5193+15del (NM_001407597.1, NM_001407605.1, NM_001407684.1 and 8 more transcripts); c.5259+3_5259+15del (NM_001407582.1, NM_001407581.1); c.4977+3_4977+15del (NM_001407917.1, NM_001407918.1, NM_001407915.1 and 1 more transcripts); c.1740+3_1740+15del (NM_001408462.1, NM_001408458.1, NM_001408461.1 and 7 more transcripts); and 74 more.
Identifiers: ClinVar variation 125798 (VCV000125798.20), dbSNP rs273901752, ClinGen allele CA003341.